The following is an entry in ClinVar:

ClinVar aggregate classification (germline): Likely benign (1 of 4 stars; one submission).

Allele frequency attached by ClinVar (database versions not stated): gnomAD exomes 0.00001; ExAC 0.00007; gnomAD 0.00010; TOPMed 0.00011; ESP Exome Variant Server 0.00023; 1000 Genomes Project 30x 0.00047; 1000 Genomes Project 0.00060.
gnomAD v4.1: 23 of 1,613,940 alleles (0.0014%); highest among the groups gnomAD compares: African/African-American, 0.031%; no homozygotes.

Submission:

CeGaT Center for Human Genetics Tuebingen
Classification: Likely benign. Last evaluated: 2022-05-01. Review status: criteria provided, single submitter. Criteria: CeGaT Center For Human Genetics Tuebingen Variant Classification Criteria Version 2. Collection method: clinical testing. Allele origin: germline. Affected: yes. Observed: 1 variant allele.
Comment: AFMID: BP4, BP7

NM_001010982.5(AFMID):c.618A>G (p.Ser206=)

Gene: AFMID (arylformamidase; plus strand). Cytogenetic location: 17q25.3.
Variant type: single nucleotide variant.
Coding change: c.618A>G on transcript NM_001010982.5 (MANE Select); coding-DNA position 618, A replaced by G.
Protein change: p.Ser206=; no amino-acid change (serine 206 retained).
Molecular consequence: synonymous variant. On other transcripts: intron variant (7).
Genome position (GRCh38, 1-based): chr17:78,205,492, A>G. VCF-style: chr17-78205492-A-G. GRCh37 (hg19) VCF-style: chr17-76201573-A-G.
Other names: c.618A>G, p.Ser206= (NM_001145526.3, NM_001391999.1); c.270A>G, p.Ser90= (NM_001392007.1); c.316-454A>G (NM_001392003.1); c.468-454A>G (NM_001392001.1); c.382-454A>G (NM_001392002.1); c.381+592A>G (NM_001392005.1); c.309-111A>G (NM_001392000.1); c.309-454A>G (NM_001392006.1); and 1 more.
Identifiers: ClinVar variation 2648336 (VCV002648336.24), dbSNP rs141538162, ClinGen allele CA8798263.